The following is an entry in ClinVar:

ClinVar aggregate classification (germline): Pathogenic (1 of 4 stars; one submission).

Conditions:
Developmental and epileptic encephalopathy, 32 (DEE32). Also called: Epileptic encephalopathy, early infantile, 32. Identifiers: Orphanet 442835, MedGen C4225350, MONDO:0014607, OMIM 616366.

Submission:

Labcorp Genetics (formerly Invitae), Labcorp
Classification: Pathogenic for Developmental and epileptic encephalopathy, 32. Last evaluated: 2023-03-17. Review status: criteria provided, single submitter. Criteria: Invitae Variant Classification Sherloc (09022015). Collection method: clinical testing. Allele origin: germline.
Comment: For these reasons, this variant has been classified as Pathogenic. Advanced modeling of protein sequence and biophysical properties (such as structural, functional, and spatial information, amino acid conservation, physicochemical variation, residue mobility, and thermodynamic stability) performed at Invitae indicates that this missense variant is expected to disrupt KCNA2 protein function. This missense change has been observed in individual(s) with clinical features of autosomal dominant developmental and epileptic encephalopathy (Invitae). In at least one individual the variant was observed to be de novo. This variant is not present in population databases (gnomAD no frequency). This sequence change replaces valine, which is neutral and non-polar, with phenylalanine, which is neutral and non-polar, at codon 339 of the KCNA2 protein (p.Val339Phe).

NM_004974.4(KCNA2):c.1015G>T (p.Val339Phe)

Gene: KCNA2 (potassium voltage-gated channel subfamily A member 2; minus strand). Cytogenetic location: 1p13.3.
Variant type: single nucleotide variant.
Coding change: c.1015G>T on transcript NM_004974.4 (MANE Select); coding-DNA position 1015, G replaced by T.
Protein change: p.Val339Phe; replaces valine 339 with phenylalanine.
Molecular consequence: missense variant. On other transcripts: intron variant (1).
Genome position (GRCh38, 1-based): chr1:110,603,768, C>A on the plus strand (G>T on the coding strand, the complement: KCNA2 is on the minus strand). VCF-style: chr1-110603768-C-A. GRCh37 (hg19) VCF-style: chr1-111146390-C-A.
Other names: c.894+121G>T (NM_001204269.2); short protein forms V339F.
Identifiers: ClinVar variation 2822519 (VCV002822519.3), dbSNP rs2524617464, ClinGen allele CA341602349.